The following is an entry in ClinVar:

NM_006736.6(DNAJB2):c.928C>T (p.Arg310Cys)

Gene: DNAJB2 (DnaJ heat shock protein family (Hsp40) member B2; plus strand). Cytogenetic location: 2q35.
Variant type: single nucleotide variant.
Coding change: c.928C>T on transcript NM_006736.6 (MANE Select); coding-DNA position 928, C replaced by T.
Protein change: p.Arg310Cys; replaces arginine 310 with cysteine.
Molecular consequence: missense variant. On other transcripts: intron variant (1).
Genome position (GRCh38, 1-based): chr2:219,284,940, C>T. VCF-style: chr2-219284940-C-T. GRCh37 (hg19) VCF-style: chr2-220149662-C-T.
Other names: c.823+105C>T (NM_001039550.2); short protein forms R310C.
Identifiers: ClinVar variation 2921162 (VCV002921162.2), dbSNP rs200970147, ClinGen allele CA2123150.
Genomic context (GRCh38, chr2:219,284,940, plus strand): 5'-CAGCACCAAGATCCAGGCTTGGGGGGGACCCAGGAGGGTGCGAGGGGTGAAGCAACCAAA[C>T]GCAGTCCATCCCCAGAGGAGAAGGCCTCTCGCTGCCTCATCCTCTGAACACCGGGCCCAA-3'
Protein context (NP_006727.2, residues 300-320): QEGARGEATK[Arg310Cys]SPSPEEKASR

ClinVar aggregate classification (germline): Uncertain significance. Review status: criteria provided, multiple submitters, no conflicts (2 of 4 stars). 2 submissions from 2 submitters: Uncertain significance (2). Last evaluated 2025-05-30.

Conditions:
Neuronopathy, distal hereditary motor, autosomal recessive 5. Also called: NEUROPATHY, DISTAL HEREDITARY MOTOR, AUTOSOMAL RECESSIVE 5; Spinal muscular atrophy, distal, autosomal recessive, 5; Young adult-onset distal hereditary motor neuropathy. Identifiers: Orphanet 314485, Orphanet 443950, MedGen C4749918, MONDO:0013947, OMIM 614881.

Allele frequency attached by ClinVar (database versions not stated): TOPMed 0.00006; ExAC 0.00007; 1000 Genomes Project 30x 0.00047; gnomAD 0.00009; 1000 Genomes Project 0.00060.
gnomAD v4.1: 87 of 1,561,446 alleles (0.0056%); highest among the groups gnomAD compares: South Asian, 0.013%; no homozygotes.

Submissions (2):

Women's Health and Genetics/Laboratory Corporation of America, LabCorp
Classification: Uncertain significance. Last evaluated: 2025-05-30. Review status: criteria provided, single submitter. Criteria: LabCorp Variant Classification Summary - May 2015. Collection method: clinical testing. Allele origin: germline.
Comment: Variant summary: DNAJB2 c.823+105C>T, which is also c.928C>T (p.Arg310Cys) in an alternate transcript, is located at a position not widely known to affect splicing. Consensus agreement among computation tools predict no significant impact on normal splicing. However, these predictions have yet to be confirmed by functional studies. The variant allele was found at a frequency of 4.8e-05 in 206608 control chromosomes (gnomAD). This frequency is not significantly higher than estimated for a pathogenic variant in DNAJB2 causing Young Adult-Onset Distal Hereditary Motor Neuropathy (4.8e-05 vs 0.0011), allowing no conclusion about variant significance. To our knowledge, no occurrence of c.823+105C>T in individuals affected with Young Adult-Onset Distal Hereditary Motor Neuropathy and no experimental evidence demonstrating its impact on protein function have been reported. ClinVar contains an entry for this variant (Variation ID: 2921162). Based on the evidence outlined above, the variant was classified as uncertain significance.

ARUP Laboratories, Molecular Genetics and Genomics, ARUP Laboratories
Classification: Uncertain significance for Neuronopathy, distal hereditary motor, autosomal recessive 5. Last evaluated: 2023-11-28. Review status: criteria provided, single submitter. Criteria: ARUP Molecular Germline Variant Investigation Process 2024. Collection method: clinical testing. Allele origin: germline.
Comment: The DNAJB2 c.928C>T p.Arg310Cys variant (rs200970147), also known as c.823+105C>T on the predominant transcript NM_001039550.2, has not been reported in the medical literature or gene specific databases, to our knowledge. This variant is found in the general population with an overall allele frequency of 0.0055% (13/237972 alleles) in the Genome Aggregation Database (v2.1.1). Computational analyses predict that the missense variant is neutral (REVEL: 0.106). Due to limited information, the clinical significance of this variant is uncertain at this time.